The following is an entry in ClinVar:

ClinVar aggregate classification (germline): Uncertain significance (1 of 4 stars; one submission).

Submission:

Ambry Genetics
Classification: Uncertain significance. Last evaluated: 2024-02-16. Review status: criteria provided, single submitter. Criteria: Ambry Variant Classification Scheme 2023. Collection method: clinical testing. Allele origin: germline.
Comment: The p.Y793S variant (also known as c.2378A>C), located in coding exon 22 of the KIF1B gene, results from an A to C substitution at nucleotide position 2378. The tyrosine at codon 793 is replaced by serine, an amino acid with dissimilar properties. This amino acid position is conserved. In addition, this alteration is predicted to be deleterious by in silico analysis. Based on the available evidence, the clinical significance of this alteration remains unclear.

NM_001365951.3(KIF1B):c.2516A>C (p.Tyr839Ser)

Gene: KIF1B (kinesin family member 1B; plus strand). Cytogenetic location: 1p36.22.
Variant type: single nucleotide variant.
Coding change: c.2516A>C on transcript NM_001365951.3 (MANE Select); coding-DNA position 2516, A replaced by C.
Protein change: p.Tyr839Ser; replaces tyrosine 839 with serine.
Molecular consequence: missense variant.
Genome position (GRCh38, 1-based): chr1:10,324,041, A>C. VCF-style: chr1-10324041-A-C. GRCh37 (hg19) VCF-style: chr1-10384099-A-C.
Other names: c.2516A>C, p.Tyr839Ser (NM_001365952.1); c.2378A>C, p.Tyr793Ser (NM_015074.3); short protein forms Y793S, Y839S.
Identifiers: ClinVar variation 3226397 (VCV003226397.1), dbSNP rs778288202, ClinGen allele CA338335100.